The following is an entry in ClinVar:

NM_003000.3(SDHB):c.656T>C (p.Met219Thr)

Gene: SDHB (succinate dehydrogenase complex iron sulfur subunit B; minus strand). Cytogenetic location: 1p36.13.
Variant type: single nucleotide variant.
Coding change: c.656T>C on transcript NM_003000.3 (MANE Select); coding-DNA position 656, T replaced by C.
Protein change: p.Met219Thr; replaces methionine 219 with threonine.
Molecular consequence: missense variant.
Genome position (GRCh38, 1-based): chr1:17,022,717, A>G on the plus strand (T>C on the coding strand, the complement: SDHB is on the minus strand). VCF-style: chr1-17022717-A-G. GRCh37 (hg19) VCF-style: chr1-17349212-A-G.
Other names: c.602T>C, p.Met201Thr (NM_001407361.1); short protein forms M219T, M201T.
Identifiers: ClinVar variation 5029274 (VCV005029274.1).

ClinVar aggregate classification (germline): Uncertain significance (1 of 4 stars; one submission).

Conditions:
Hereditary cancer-predisposing syndrome. Also called: Neoplastic Syndromes, Hereditary; Tumor predisposition; Hereditary neoplastic syndrome; Hereditary Cancer Syndrome. Identifiers: Orphanet 140162, MedGen C0027672, MeSH D009386, MONDO:0015356.

Submission:

Ambry Genetics
Classification: Uncertain significance for Hereditary cancer-predisposing syndrome. Last evaluated: 2026-07-06. Review status: criteria provided, single submitter. Criteria: Ambry Variant Classification Scheme 2023. Collection method: clinical testing. Allele origin: germline.
Comment: The p.M219T variant (also known as c.656T>C), located in coding exon 7 of the SDHB gene, results from a T to C substitution at nucleotide position 656. The methionine at codon 219 is replaced by threonine, an amino acid with similar properties. This amino acid position is conserved. In addition, this alteration is predicted to be deleterious by in silico analysis. Based on the available evidence, the clinical significance of this variant remains unclear.